The following is an entry in ClinVar:

NM_017617.5(NOTCH1):c.201dup (p.Cys68fs)

Gene: NOTCH1 (notch receptor 1; minus strand). Cytogenetic location: 9q34.3.
Variant type: Duplication.
Coding change: c.201dup on transcript NM_017617.5 (MANE Select); coding-DNA position 201, one base duplicated (C; older notation c.201dupC).
Protein change: p.Cys68fs; shifts the reading frame from cysteine 68.
Molecular consequence: frameshift variant.
Genome position (GRCh38, 1-based): chr9:136,523,919, G duplicated on the plus strand (C on the coding strand, the reverse complement: NOTCH1 is on the minus strand); the first of 5 consecutive G bases (chr9:136,523,919-136,523,923); duplicating any one gives the same sequence. VCF-style (leftmost placement, unchanged base first): chr9-136523918-A-AG. GRCh37 (hg19) VCF-style: chr9-139418370-A-AG.
Other names: short protein forms C68fs.
Identifiers: ClinVar variation 3347247 (VCV003347247.1).
Genomic context (GRCh38, chr9:136,523,918, plus strand): 5'-TGCAGGCATAGTCTGCCACGCCTCTGCGGTCCACCACGTGGCATGTCCCGGCGTTCTTGC[A>AG]GGGGGTGCTGAGGCACGGGTTGGGGTCCTGGCATCGCGGGCCCACGAAGGCCCCGCCACA-3'

ClinVar aggregate classification (germline): Likely pathogenic (0 of 4 stars; one submission).

Conditions:
NOTCH1-related disorder. Also called: NOTCH1-related condition; NOTCH1-related disorders.

Submission:

PreventionGenetics, part of Exact Sciences
Classification: Likely pathogenic for NOTCH1-related condition. Last evaluated: 2024-07-02. Review status: no assertion criteria provided. Collection method: clinical testing. Allele origin: germline.
Comment: The NOTCH1 c.201dupC variant is predicted to result in a frameshift and premature protein termination (p.Cys68Leufs*75). To our knowledge, this variant has not been reported in the literature or in a large population database, indicating this variant is rare. Frameshift variants in NOTCH1 are expected to be pathogenic. This variant is interpreted as likely pathogenic.